The following is an entry in ClinVar:

NM_002317.7(LOX):c.1090A>G (p.Ile364Val)

Genes: LOX (lysyl oxidase; minus strand), SRFBP1 (serum response factor binding protein 1; plus strand). Cytogenetic location: 5q23.1.
Variant type: single nucleotide variant.
Coding change: c.1090A>G on transcript NM_002317.7 (MANE Select); coding-DNA position 1090, A replaced by G.
Protein change: p.Ile364Val; replaces isoleucine 364 with valine.
Molecular consequence: missense variant.
Genome position (GRCh38, 1-based): chr5:122,070,535, T>C on the plus strand (A>G on the coding strand, the complement: LOX is on the minus strand). VCF-style: chr5-122070535-T-C. GRCh37 (hg19) VCF-style: chr5-121406230-T-C.
Other names: c.400A>G, p.Ile134Val (NM_001178102.2); c.199A>G, p.Ile67Val (NM_001317073.1); short protein forms I364V, I67V, I134V.
Identifiers: ClinVar variation 2753069 (VCV002753069.3), dbSNP rs1399121024, ClinGen allele CA360880475.

ClinVar aggregate classification (germline): Uncertain significance (1 of 4 stars; one submission).

Allele frequency attached by ClinVar (database versions not stated): TOPMed below 0.00001; gnomAD 0.00001.
gnomAD v4.1: 1 of 1,609,152 alleles (0.000062%); highest among the groups gnomAD compares: Non-Finnish European, 0.000085%; no homozygotes.

Submission:

Labcorp Genetics (formerly Invitae), Labcorp
Classification: Uncertain significance. Last evaluated: 2023-08-16. Review status: criteria provided, single submitter. Criteria: Invitae Variant Classification Sherloc (09022015). Collection method: clinical testing. Allele origin: germline.
Comment: This variant has not been reported in the literature in individuals affected with LOX-related conditions. This sequence change replaces isoleucine, which is neutral and non-polar, with valine, which is neutral and non-polar, at codon 364 of the LOX protein (p.Ile364Val). This variant is not present in population databases (gnomAD no frequency). Advanced modeling of protein sequence and biophysical properties (such as structural, functional, and spatial information, amino acid conservation, physicochemical variation, residue mobility, and thermodynamic stability) performed at Invitae indicates that this missense variant is expected to disrupt LOX protein function. In summary, the available evidence is currently insufficient to determine the role of this variant in disease. Therefore, it has been classified as a Variant of Uncertain Significance.